The following is an entry in ClinVar:

ClinVar aggregate classification (germline): Pathogenic (1 of 4 stars; one submission).

Submission:

Athena Diagnostics
Classification: Pathogenic. Last evaluated: 2022-06-07. Review status: criteria provided, single submitter. Criteria: Athena Diagnostics Criteria. Collection method: clinical testing. Allele origin: unknown.
Comment: This variant is expected to result in the loss of a functional protein. Similar variants have not been reported in large, multi-ethnic general populations. This variant has been identified in at least one individual tested at Athena Diagnostics with clinical features associated with this gene.

Single allele

Gene: DEPDC5 (DEP domain containing 5, GATOR1 subcomplex subunit; plus strand). Cytogenetic location: 22q12.2-12.3.
Variant type: Deletion.
Identifiers: ClinVar variation 1807240 (VCV001807240.1).